The following is an entry in ClinVar:

ClinVar aggregate classification (germline): Uncertain significance (1 of 4 stars; one submission).

Conditions:
Idiopathic generalized epilepsy. Also called: Generalised epilepsy; EIG. Identifiers: MedGen C0270850, MONDO:0005579, OMIM 600669.
Hyperaldosteronism, familial, type IV (HALD4). Also called: FH IV; ALDOSTERONISM, PRIMARY, AND HYPERTENSION. Identifiers: Orphanet 642671, MedGen C4310756, MONDO:0014875, OMIM 617027.

gnomAD v4.1: 1 of 1,533,348 alleles (0.000065%); highest among the groups gnomAD compares: Non-Finnish European, 0.000088%; no homozygotes.

Submission:

Labcorp Genetics (formerly Invitae), Labcorp
Classification: Uncertain significance for Idiopathic generalized epilepsy; Hyperaldosteronism, familial, type IV. Last evaluated: 2024-03-28. Review status: criteria provided, single submitter. Criteria: Invitae Variant Classification Sherloc (09022015). Collection method: clinical testing. Allele origin: germline.
Comment: This sequence change falls in intron 18 of the CACNA1H gene. It does not directly change the encoded amino acid sequence of the CACNA1H protein. It affects a nucleotide within the consensus splice site. This variant is not present in population databases (gnomAD no frequency). This variant has not been reported in the literature in individuals affected with CACNA1H-related conditions. Variants that disrupt the consensus splice site are a relatively common cause of aberrant splicing (PMID: 17576681, 9536098). Algorithms developed to predict the effect of sequence changes on RNA splicing suggest that this variant is not likely to affect RNA splicing. In summary, the available evidence is currently insufficient to determine the role of this variant in disease. Therefore, it has been classified as a Variant of Uncertain Significance.

Literature cited by the submitters: PubMed 17576681; PubMed 9536098.

NM_021098.3(CACNA1H):c.3846-3C>T

Gene: CACNA1H (calcium voltage-gated channel subunit alpha1 H; plus strand). Cytogenetic location: 16p13.3.
Variant type: single nucleotide variant.
Coding change: c.3846-3C>T on transcript NM_021098.3 (MANE Select); 3 bases into the intron before coding-DNA position 3846, C replaced by T.
Molecular consequence: intron variant.
Genome position (GRCh38, 1-based): chr16:1,210,367, C>T. VCF-style: chr16-1210367-C-T. GRCh37 (hg19) VCF-style: chr16-1260367-C-T.
Other names: c.3846-3C>T (NM_001005407.2).
Identifiers: ClinVar variation 3752867 (VCV003752867.2).
Genomic context (GRCh38, chr16:1,210,367, plus strand): 5'-CCCCCATCCACTCTGCCATCCACGCCGCCCCGCCCCACCTCTCACCCGCCCCCGCCCACC[C>T]AGGTTCCGCGTCTCCTGCCAGAAGGTCATCACACACAAGATGTTTGATCACGTGGTCCTC-3'